The following is an entry in ClinVar:

NM_000400.4(ERCC2):c.1330A>T (p.Ile444Phe)

Gene: ERCC2 (ERCC excision repair 2, TFIIH core complex helicase subunit; minus strand). Cytogenetic location: 19q13.32.
Variant type: single nucleotide variant.
Coding change: c.1330A>T on transcript NM_000400.4 (MANE Select); coding-DNA position 1330, A replaced by T.
Protein change: p.Ile444Phe; replaces isoleucine 444 with phenylalanine.
Molecular consequence: missense variant.
Genome position (GRCh38, 1-based): chr19:45,357,521, T>A on the plus strand (A>T on the coding strand, the complement: ERCC2 is on the minus strand). VCF-style: chr19-45357521-T-A. GRCh37 (hg19) VCF-style: chr19-45860779-T-A.
Other names: short protein forms I444F.
Identifiers: ClinVar variation 1770134 (VCV001770134.2), dbSNP rs772366393, ClinGen allele CA406367643.

ClinVar aggregate classification (germline): Uncertain significance (1 of 4 stars; one submission).

Conditions:
Inborn genetic diseases. Identifiers: MedGen C0950123, MeSH D030342.

Submission:

Ambry Genetics
Classification: Uncertain significance for Inborn genetic diseases. Last evaluated: 2022-04-05. Review status: criteria provided, single submitter. Criteria: Ambry Variant Classification Scheme 2023. Collection method: clinical testing. Allele origin: germline.
Comment: The p.I444F variant (also known as c.1330A>T), located in coding exon 14 of the ERCC2 gene, results from an A to T substitution at nucleotide position 1330. The isoleucine at codon 444 is replaced by phenylalanine, an amino acid with highly similar properties. This amino acid position is conserved. In addition, the in silico prediction for this alteration is inconclusive. Since supporting evidence is limited at this time, the clinical significance of this alteration remains unclear.